The following is an entry in ClinVar:

ClinVar aggregate classification (germline): Conflicting classifications of pathogenicity. Review status: criteria provided, conflicting classifications (1 of 4 stars). 5 submissions from 5 submitters: Uncertain significance (2); Likely benign (2). 1 of the submissions does not count toward it. Last evaluated 2025-12-26.

Conditions:
Pyruvate carboxylase deficiency. Also called: ATAXIA WITH LACTIC ACIDOSIS II; Pyruvate Carboxylase Deficiency Disease; PC DEFICIENCY; LEIGH NECROTIZING ENCEPHALOPATHY DUE TO PYRUVATE CARBOXYLASE DEFICIENCY; LEIGH SYNDROME DUE TO PYRUVATE CARBOXYLASE DEFICIENCY. Identifiers: Orphanet 3008, MedGen C0034341, MONDO:0009949, OMIM 266150.
Inborn genetic diseases. Identifiers: MedGen C0950123, MeSH D030342.

Allele frequency attached by ClinVar (database versions not stated): gnomAD exomes 0.00005 and 0.00012; ExAC 0.00014; 1000 Genomes Project 0.00040; gnomAD 0.00046 and 0.00051; 1000 Genomes Project 30x 0.00062; ESP Exome Variant Server 0.00062; TOPMed 0.00066.
gnomAD v4.1: 149 of 1,614,062 alleles (0.0092%); highest among the groups gnomAD compares: African/African-American, 0.18%; no homozygotes.

Submissions (5):

Labcorp Genetics (formerly Invitae), Labcorp
Classification: Likely benign for Pyruvate carboxylase deficiency. Last evaluated: 2025-12-26. Review status: criteria provided, single submitter. Criteria: Invitae Variant Classification Sherloc (09022015). Collection method: clinical testing. Allele origin: germline.

GeneDx
Classification: Uncertain significance. Last evaluated: 2025-05-05. Review status: criteria provided, single submitter. Criteria: GeneDx Variant Classification Process June 2021. Collection method: clinical testing. Allele origin: germline. Affected: yes.
Comment: In silico analysis supports that this missense variant has a deleterious effect on protein structure/function; Has not been previously published as pathogenic or benign to our knowledge

Ambry Genetics
Classification: Likely benign for Inborn genetic diseases. Last evaluated: 2021-09-01. Review status: criteria provided, single submitter. Criteria: Ambry Variant Classification Scheme 2023. Collection method: clinical testing. Allele origin: germline.

Fulgent Genetics
Classification: Uncertain significance for Pyruvate carboxylase deficiency. Last evaluated: 2021-08-10. Review status: criteria provided, single submitter. Criteria: ACMG Guidelines, 2015. Collection method: clinical testing. Allele origin: unknown.

Mayo Clinic Laboratories, Mayo Clinic
Classification: Uncertain significance. Last evaluated: 2016-03-16. Review status: no assertion criteria provided. Collection method: clinical testing. Allele origin: unknown. Not counted in ClinVar's aggregate classification.

NM_001040716.2(PC):c.3391G>A (p.Val1131Met)

Gene: PC (pyruvate carboxylase; minus strand). Cytogenetic location: 11q13.2.
Variant type: single nucleotide variant.
Coding change: c.3391G>A on transcript NM_001040716.2 (MANE Select); coding-DNA position 3391, G replaced by A.
Protein change: p.Val1131Met; replaces valine 1131 with methionine.
Molecular consequence: missense variant.
Genome position (GRCh38, 1-based): chr11:66,849,045, C>T on the plus strand (G>A on the coding strand, the complement: PC is on the minus strand). VCF-style: chr11-66849045-C-T. GRCh37 (hg19) VCF-style: chr11-66616516-C-T.
Other names: c.3391G>A, p.Val1131Met (NM_000920.4, NM_022172.3); short protein forms V1131M.
Identifiers: ClinVar variation 559359 (VCV000559359.12), dbSNP rs116518022, ClinGen allele CA6130791.
Genomic context (GRCh38, chr11:66,849,045, plus strand): 5'-AGGTCACCACAGTCTCCATCTTCATGGCACTGAGCACACACAGGGGCTGGCCCTTGGCCA[C>T]CTTGGCCCCTGCCACCACTTTGATGTCTATCACCTTCCCAGGCATGGGCGCCCCGATCTG-3'
Protein context (NP_001035806.1, residues 1121-1141): IDIKVVAGAK[Val1131Met]AKGQPLCVLS